The following is an entry in ClinVar:

ClinVar aggregate classification (germline): Uncertain significance (1 of 4 stars; one submission).

Submission:

GeneDx
Classification: Uncertain significance. Last evaluated: 2026-06-01. Review status: criteria provided, single submitter. Criteria: GeneDx Variant Classification Process June 2021. Collection method: clinical testing. Allele origin: germline.
Comment: Not observed at significant frequency in large population cohorts (gnomAD); Stop codon loss and change to a aspartic acid codon, leading to protein extension and the addition of 47 amino acids at the C-terminus; Has not been previously published as pathogenic or benign to our knowledge

NM_024528.4(NKAP):c.1246_*1del (p.Ter416AspextTer?)

Gene: NKAP (NFKB activating protein; minus strand). Cytogenetic location: Xq24.
Variant type: Deletion.
Coding change: c.1246_*1del on transcript NM_024528.4 (MANE Select); coding-DNA position 1246 through 1 bases downstream of the stop codon, 4 bases deleted (TAAA; older notation c.1246_*1delTAAA).
Protein change: p.Ter416AspextTer?.
Molecular consequence: frameshift variant, stop lost.
Genome position (GRCh38, 1-based): chrX:119,925,219-119,925,222, TTTA deleted on the plus strand (TAAA on the coding strand, the reverse complement: NKAP is on the minus strand); deleting any 4 consecutive bases within chrX:119,925,219-119,925,225 gives the same sequence; the c. name uses the placement nearest the transcript's 3' end. VCF-style (leftmost placement, unchanged base first): chrX-119925218-CTTTA-C. GRCh37 (hg19) VCF-style: chrX-119059181-CTTTA-C.
Identifiers: ClinVar variation 4819525 (VCV004819525.2).
Genomic context (GRCh38, chrX:119,925,218, plus strand): 5'-TGTGTGGAACCCAGACTTTCTTTTTTGTTGTTAAAAATGTCTTCTGGACAATCAGAAAAT[CTTTA>C]TTTGTCATCCTTCCCTTTGGTCTTTCTGTAAACCATTTCTCGAAAACTGGCCAGAATCTT-3'